The following is an entry in ClinVar:

NM_000238.4(KCNH2):c.3331G>T (p.Val1111Phe)

Gene: KCNH2 (potassium voltage-gated channel subfamily H member 2; minus strand). Cytogenetic location: 7q36.1.
Variant type: single nucleotide variant.
Coding change: c.3331G>T on transcript NM_000238.4 (MANE Select); coding-DNA position 3331, G replaced by T.
Protein change: p.Val1111Phe; replaces valine 1111 with phenylalanine.
Molecular consequence: missense variant. On other transcripts: non-coding transcript variant (2).
Genome position (GRCh38, 1-based): chr7:150,945,514, C>A on the plus strand (G>T on the coding strand, the complement: KCNH2 is on the minus strand). VCF-style: chr7-150945514-C-A. GRCh37 (hg19) VCF-style: chr7-150642602-C-A.
Other names: c.3043G>T, p.Val1015Phe (NM_001406753.1); c.2311G>T, p.Val771Phe (NM_172057.3); short protein forms V1111F, V771F, V1015F.
Identifiers: ClinVar variation 3703711 (VCV003703711.2).

ClinVar aggregate classification (germline): Uncertain significance (1 of 4 stars; one submission).

Conditions:
Long QT syndrome (LQTS). Identifiers: MedGen C0023976, MeSH D008133, MONDO:0002442. Disease mechanism: loss of function. Inheritance: Various modes of inheritance.

gnomAD v4.1: 2 of 1,558,126 alleles (0.00013%); highest among the groups gnomAD compares: Non-Finnish European, 0.00017%; no homozygotes.

Submission:

Labcorp Genetics (formerly Invitae), Labcorp
Classification: Uncertain significance for Long QT syndrome. Last evaluated: 2025-09-10. Review status: criteria provided, single submitter. Criteria: Invitae Variant Classification Sherloc (09022015). Collection method: clinical testing. Allele origin: germline.
Comment: This sequence change replaces valine, which is neutral and non-polar, with phenylalanine, which is neutral and non-polar, at codon 1111 of the KCNH2 protein (p.Val1111Phe). This variant is present in population databases (no rsID available, gnomAD 0.007%). This variant has not been reported in the literature in individuals affected with KCNH2-related conditions. ClinVar contains an entry for this variant (Variation ID: 3703711). An algorithm developed to predict the effect of missense changes on protein structure and function (PolyPhen-2) suggests that this variant is likely to be disruptive. Algorithms developed to predict the effect of sequence changes on RNA splicing suggest that this variant may disrupt the consensus splice site. In summary, the available evidence is currently insufficient to determine the role of this variant in disease. Therefore, it has been classified as a Variant of Uncertain Significance.